The following is an entry in ClinVar:

ClinVar aggregate classification (germline): Likely benign. Review status: criteria provided, multiple submitters, no conflicts (2 of 4 stars). 3 submissions from 3 submitters: Likely benign (2). 1 of the submissions does not count toward it. Last evaluated 2025-12-23.

Conditions:
EGFR-related disorder. Also called: EGFR-related condition.
Hereditary cancer-predisposing syndrome. Also called: Neoplastic Syndromes, Hereditary; Tumor predisposition; Hereditary neoplastic syndrome; Hereditary Cancer Syndrome. Identifiers: Orphanet 140162, MedGen C0027672, MeSH D009386, MONDO:0015356.
EGFR-related lung cancer (EGFR). Identifiers: MedGen CN130014.

Allele frequency attached by ClinVar (database versions not stated): gnomAD exomes 0.00001 and 0.00002; ExAC 0.00002.

Submissions (3):

Labcorp Genetics (formerly Invitae), Labcorp
Classification: Likely benign for EGFR-related lung cancer. Last evaluated: 2025-12-23. Review status: criteria provided, single submitter. Criteria: Invitae Variant Classification Sherloc (09022015). Collection method: clinical testing. Allele origin: germline.

Ambry Genetics
Classification: Likely benign for Hereditary cancer-predisposing syndrome. Last evaluated: 2024-11-23. Review status: criteria provided, single submitter. Criteria: Ambry Variant Classification Scheme 2023. Collection method: clinical testing. Allele origin: germline.

PreventionGenetics, part of Exact Sciences
Classification: Likely benign for EGFR-related condition. Last evaluated: 2024-04-17. Review status: no assertion criteria provided. Collection method: clinical testing. Allele origin: germline. Not counted in ClinVar's aggregate classification.
Comment: This variant is classified as likely benign based on ACMG/AMP sequence variant interpretation guidelines (Richards et al. 2015 PMID: 25741868, with internal and published modifications).

NM_005228.5(EGFR):c.843C>T (p.Pro281=)

Gene: EGFR (epidermal growth factor receptor; plus strand). Cytogenetic location: 7p11.2.
Variant type: single nucleotide variant.
Coding change: c.843C>T on transcript NM_005228.5 (MANE Select); coding-DNA position 843, C replaced by T.
Protein change: p.Pro281=; no amino-acid change (proline 281 retained).
Molecular consequence: synonymous variant. On other transcripts: intron variant (1).
Genome position (GRCh38, 1-based): chr7:55,154,106, C>T. VCF-style: chr7-55154106-C-T. GRCh37 (hg19) VCF-style: chr7-55221799-C-T.
Other names: c.843C>T (NM_005228.4); c.708C>T, p.Pro236= (NM_001346897.2, NM_001346899.2); c.843C>T, p.Pro281= (NM_001346898.2, NM_201282.2, NM_201283.2 and 1 more transcripts); c.684C>T, p.Pro228= (NM_001346900.2); c.89-1724C>T (NM_001346941.2).
Identifiers: ClinVar variation 360456 (VCV000360456.11), dbSNP rs746685847, ClinGen allele CA4265372.